The following is an entry in ClinVar:

ClinVar aggregate classification (germline): Uncertain significance (1 of 4 stars; one submission).

Conditions:
Nemaline myopathy 2 (NEM2). Also called: Nemaline myopathy 2, autosomal recessive. Identifiers: MedGen C1850569, MONDO:0009725, OMIM 256030.

Submission:

Labcorp Genetics (formerly Invitae), Labcorp
Classification: Uncertain significance for Nemaline myopathy 2. Last evaluated: 2022-06-29. Review status: criteria provided, single submitter. Criteria: Invitae Variant Classification Sherloc (09022015). Collection method: clinical testing. Allele origin: germline.
Comment: Algorithms developed to predict the effect of missense changes on protein structure and function are either unavailable or do not agree on the potential impact of this missense change (SIFT: "Deleterious"; PolyPhen-2: "Not Available"; Align-GVGD: "Class C0"). This variant has not been reported in the literature in individuals affected with NEB-related conditions. In summary, the available evidence is currently insufficient to determine the role of this variant in disease. Therefore, it has been classified as a Variant of Uncertain Significance. This variant is not present in population databases (gnomAD no frequency). This sequence change replaces histidine, which is basic and polar, with tyrosine, which is neutral and polar, at codon 6907 of the NEB protein (p.His6907Tyr).

NM_001164508.2(NEB):c.20719C>T (p.His6907Tyr)

Gene: NEB (nebulin; minus strand). Cytogenetic location: 2q23.3.
Variant type: single nucleotide variant.
Coding change: c.20719C>T on transcript NM_001164508.2 (MANE Select); coding-DNA position 20719, C replaced by T.
Protein change: p.His6907Tyr; replaces histidine 6907 with tyrosine.
Molecular consequence: missense variant.
Genome position (GRCh38, 1-based): chr2:151,540,765, G>A on the plus strand (C>T on the coding strand, the complement: NEB is on the minus strand). VCF-style: chr2-151540765-G-A. GRCh37 (hg19) VCF-style: chr2-152397279-G-A.
Other names: c.20719C>T, p.His6907Tyr (NM_001164507.2, NM_001271208.2); c.15616C>T, p.His5206Tyr (NM_004543.5); short protein forms H5206Y, H6907Y.
Identifiers: ClinVar variation 1968011 (VCV001968011.5), dbSNP rs2552156890, ClinGen allele CA348777722.
Genomic context (GRCh38, chr2:151,540,765, plus strand): 5'-CCATGTCCTTCACGTCTTTAGCATGCTTCAAGGCTGTGGTCTGGTTTCCAGCGTGATGAT[G>A]GGGTCTCTCTTTGGTGGCAAGTTCAACATACAGATACTGAATAATAGAAGAAAGTGAGGT-3'
Protein context (NP_001157980.2, residues 6897-6917): YVELATKERP[His6907Tyr]HHAGNQTTAL